The following is an entry in ClinVar:

ClinVar aggregate classification (germline): Uncertain significance (1 of 4 stars; one submission).

Conditions:
Hereditary diffuse gastric adenocarcinoma (HDGC). Also called: DIFFUSE GASTRIC AND LOBULAR BREAST CANCER SYNDROME. Identifiers: Orphanet 26106, MedGen C1708349, MONDO:0007648, OMIM 137215.

Submission:

Labcorp Genetics (formerly Invitae), Labcorp
Classification: Uncertain significance for Hereditary diffuse gastric adenocarcinoma. Last evaluated: 2024-08-22. Review status: criteria provided, single submitter. Criteria: Invitae Variant Classification Sherloc (09022015). Collection method: clinical testing. Allele origin: germline.
Comment: This sequence change disrupts the translational stop signal of the CDH1 mRNA. It is expected to extend the length of the CDH1 protein by 29 additional amino acid residues. This variant is not present in population databases (gnomAD no frequency). This variant has not been reported in the literature in individuals affected with CDH1-related conditions. In summary, the available evidence is currently insufficient to determine the role of this variant in disease. Therefore, it has been classified as a Variant of Uncertain Significance.

NM_004360.5(CDH1):c.2649G>T (p.Ter883Tyr)

Gene: CDH1 (cadherin 1; plus strand). Cytogenetic location: 16q22.1.
Variant type: single nucleotide variant.
Coding change: c.2649G>T on transcript NM_004360.5 (MANE Select); coding-DNA position 2649, G replaced by T.
Protein change: p.Ter883Tyr.
Molecular consequence: stop lost.
Genome position (GRCh38, 1-based): chr16:68,833,499, G>T. VCF-style: chr16-68833499-G-T. GRCh37 (hg19) VCF-style: chr16-68867402-G-T.
Other names: c.2466G>T, p.Ter822Tyr (NM_001317184.2); c.1101G>T, p.Ter367Tyr (NM_001317185.2); c.684G>T, p.Ter228Tyr (NM_001317186.2).
Identifiers: ClinVar variation 2747025 (VCV002747025.3), dbSNP rs2152144280, ClinGen allele CA396472971.
Genomic context (GRCh38, chr16:68,833,499, plus strand): 5'-CGAATGGGGCAATCGCTTCAAGAAGCTGGCTGACATGTACGGAGGCGGCGAGGACGACTA[G>T]GGGACTCGAGAGAGGCGGGCCCCAGACCCATGTGCTGGGAAATGCAGAAATCACGTTGCT-3'